The following is an entry in ClinVar:

ClinVar aggregate classification (germline): Uncertain significance. Review status: criteria provided, multiple submitters, no conflicts (2 of 4 stars). 2 submissions from 2 submitters: Uncertain significance (2). Last evaluated 2024-01-08.

Conditions:
Malignant hyperthermia, susceptibility to, 5 (MHS5). Also called: CACNA1S-Related Malignant Hyperthermia Susceptibility. Identifiers: Orphanet 423, MedGen C1866077, MONDO:0011163, OMIM 601887.

Submissions (2):

All of Us Research Program, National Institutes of Health
Classification: Uncertain significance for Malignant hyperthermia, susceptibility to, 5. Last evaluated: 2024-01-08. Review status: criteria provided, single submitter. Criteria: ACMG Guidelines, 2015. Collection method: clinical testing. Allele origin: germline. Inheritance: Autosomal dominant inheritance. Observed: 1 variant allele, 1 heterozygote.
Comment: This variant inserts 1 nucleotide in exon 12 of the CACNA1S gene, creating a frameshift and premature translation stop signal. This variant is expected to result in an absent or non-functional protein product. To our knowledge, this variant has not been reported in individuals affected with CACNA1S-related disorders in the literature. This variant has not been identified in the general population by the Genome Aggregation Database (gnomAD). Loss of CACNA1S function due to truncation variants is not an established disease mechanism for autosomal dominant malignant hyperthermia. Due to insufficient evidence, this variant is classified as a Variant of Uncertain Significance for autosomal dominant malignant hyperthermia.

This study involves interpretation of variants in research participants for the purpose of population health screening. Participant phenotype was not available at the time of variant classification. Additional details can be found in publication PMID: 35346344, PMCID: PMC8962531

Color Diagnostics, LLC DBA Color Health
Classification: Uncertain significance for Malignant hyperthermia, susceptibility to, 5. Last evaluated: 2023-11-02. Review status: criteria provided, single submitter. Criteria: ACMG Guidelines, 2015. Collection method: clinical testing. Allele origin: germline.
Comment: This variant inserts 1 nucleotide in exon 12 of the CACNA1S gene, creating a frameshift and premature translation stop signal. This variant is expected to result in an absent or non-functional protein product. To our knowledge, this variant has not been reported in individuals affected with CACNA1S-related disorders in the literature. This variant has not been identified in the general population by the Genome Aggregation Database (gnomAD). Loss of CACNA1S function due to truncation variants is not an established disease mechanism for autosomal dominant malignant hyperthermia. Due to insufficient evidence, this variant is classified as a Variant of Uncertain Significance for autosomal dominant malignant hyperthermia.

NM_000069.3(CACNA1S):c.1749dup (p.Arg584fs)

Gene: CACNA1S (calcium voltage-gated channel subunit alpha1 S; minus strand). Cytogenetic location: 1q32.1.
Variant type: Duplication.
Coding change: c.1749dup on transcript NM_000069.3 (MANE Select); coding-DNA position 1749, one base duplicated (G; older notation c.1749dupG).
Protein change: p.Arg584fs; shifts the reading frame from arginine 584.
Molecular consequence: frameshift variant.
Genome position (GRCh38, 1-based): chr1:201,076,998, C duplicated on the plus strand (G on the coding strand, the reverse complement: CACNA1S is on the minus strand); the first of 6 consecutive C bases (chr1:201,076,998-201,077,003); duplicating any one gives the same sequence. VCF-style (leftmost placement, unchanged base first): chr1-201076997-T-TC. GRCh37 (hg19) VCF-style: chr1-201046125-T-TC.
Other names: short protein forms R584fs.
Identifiers: ClinVar variation 3075308 (VCV003075308.2), dbSNP rs2464566801, ClinGen allele CA645526279.